The following is an entry in ClinVar:

ClinVar aggregate classification (germline): Benign/Likely benign. Review status: criteria provided, multiple submitters, no conflicts (2 of 4 stars). 6 submissions from 6 submitters: Benign (1); Likely benign (4). 1 of the submissions does not count toward it. Last evaluated 2026-01-31.

Conditions:
Hereditary cancer-predisposing syndrome. Also called: Tumor predisposition; Hereditary Cancer Syndrome; Hereditary neoplastic syndrome; Neoplastic Syndromes, Hereditary. Identifiers: Orphanet 140162, MedGen C0027672, MeSH D009386, MONDO:0015356.
PTCH1-related disorder. Also called: PTCH1-related disorders; PTCH1-related condition.
Gorlin syndrome. Also called: Nevoid Basal Cell Carcinoma Syndrome; Basal cell nevus syndrome. Identifiers: Orphanet 377, MedGen C0004779, MONDO:0007187.

Allele frequency attached by ClinVar (database versions not stated): 1000 Genomes Project 30x 0.00047; 1000 Genomes Project 0.00060; TOPMed 0.00019; gnomAD 0.00020 and 0.00021; gnomAD exomes 0.00004 and 0.00007; ExAC 0.00006.
gnomAD v4.1: 87 of 1,614,148 alleles (0.0054%); highest among the groups gnomAD compares: African/African-American, 0.075%; no homozygotes.

Submissions (6):

Labcorp Genetics (formerly Invitae), Labcorp
Classification: Likely benign for Gorlin syndrome. Last evaluated: 2026-01-31. Review status: criteria provided, single submitter. Criteria: Invitae Variant Classification Sherloc (09022015). Collection method: clinical testing. Allele origin: germline.

Quest Diagnostics Nichols Institute San Juan Capistrano
Classification: Benign. Last evaluated: 2022-11-03. Review status: criteria provided, single submitter. Criteria: Quest Diagnostics criteria. Collection method: clinical testing. Allele origin: unknown.

Sema4
Classification: Likely benign for Hereditary cancer-predisposing syndrome. Last evaluated: 2021-05-20. Review status: criteria provided, single submitter. Criteria: Sema4 Curation Guidelines. Collection method: curation. Allele origin: germline.

GeneDx
Classification: Likely benign. Last evaluated: 2019-06-28. Review status: criteria provided, single submitter. Criteria: GeneDx Variant Classification Process June 2021. Collection method: clinical testing. Allele origin: germline. Affected: yes.

Ambry Genetics
Classification: Likely benign for Hereditary cancer-predisposing syndrome. Last evaluated: 2018-06-15. Review status: criteria provided, single submitter. Criteria: Ambry Variant Classification Scheme 2023. Collection method: clinical testing. Allele origin: germline.

PreventionGenetics, part of Exact Sciences
Classification: Likely benign for PTCH1-related condition. Last evaluated: 2024-09-19. Review status: no assertion criteria provided. Collection method: clinical testing. Allele origin: germline. Not counted in ClinVar's aggregate classification.
Comment: This variant is classified as likely benign based on ACMG/AMP sequence variant interpretation guidelines (Richards et al. 2015 PMID: 25741868, with internal and published modifications).

NM_000264.5(PTCH1):c.1488C>T (p.Asn496=)

Gene: PTCH1 (patched 1; minus strand). Cytogenetic location: 9q22.32.
Variant type: single nucleotide variant.
Coding change: c.1488C>T on transcript NM_000264.5 (MANE Select); coding-DNA position 1488, C replaced by T.
Protein change: p.Asn496=; no amino-acid change (asparagine 496 retained).
Molecular consequence: synonymous variant. On other transcripts: non-coding transcript variant (1), intron variant (1).
Genome position (GRCh38, 1-based): chr9:95,477,562, G>A on the plus strand (C>T on the coding strand, the complement: PTCH1 is on the minus strand). VCF-style: chr9-95477562-G-A. GRCh37 (hg19) VCF-style: chr9-98239844-G-A.
Other names: c.1290C>T, p.Asn430= (NM_001083602.3); c.1485C>T, p.Asn495= (NM_001083603.3); c.1035C>T, p.Asn345= (NM_001083604.3, NM_001083605.3, NM_001083606.3 and 1 more transcripts); c.1347+493C>T (NM_001354918.2); c.1488C>T (NM_000264.4).
Identifiers: ClinVar variation 237455 (VCV000237455.19), dbSNP rs577742581, ClinGen allele CA5138649.